The following is an entry in ClinVar:

NM_000288.4(PEX7):c.265G>A (p.Asp89Asn)

Gene: PEX7 (peroxisomal biogenesis factor 7; plus strand). Cytogenetic location: 6q23.3.
Variant type: single nucleotide variant.
Coding change: c.265G>A on transcript NM_000288.4 (MANE Select); coding-DNA position 265, G replaced by A.
Protein change: p.Asp89Asn; replaces aspartic acid 89 with asparagine.
Molecular consequence: missense variant.
Genome position (GRCh38, 1-based): chr6:136,826,395, G>A. VCF-style: chr6-136826395-G-A. GRCh37 (hg19) VCF-style: chr6-137147533-G-A.
Other names: c.151G>A, p.Asp51Asn (NM_001410945.1); short protein forms D89N, D51N.
Identifiers: ClinVar variation 4982729 (VCV004982729.1).

ClinVar aggregate classification (germline): Uncertain significance (1 of 4 stars; one submission).

Conditions:
PEX7-related disorder. Also called: PEX7-related disorders; PEX7-related condition. Identifiers: MedGen CN239409.

gnomAD v4.1: 13 of 1,613,888 alleles (0.00081%); highest among the groups gnomAD compares: East Asian, 0.0067%; no homozygotes.

Submission:

PreventionGenetics, part of Exact Sciences
Classification: Uncertain significance for PEX7-related condition. Last evaluated: 2025-03-28. Review status: criteria provided, single submitter. Criteria: ACMG Guidelines, 2015. Collection method: clinical testing. Allele origin: germline.
Comment: The PEX7 c.265G>A variant is predicted to result in the amino acid substitution p.Asp89Asn. To our knowledge, this variant has not been reported in the literature. This variant is reported in 0.0018% of alleles in individuals of European (Non-Finnish) descent in gnomAD. At this time, the clinical significance of this variant is uncertain due to the absence of conclusive functional and genetic evidence.